The following is an entry in ClinVar:

NM_000080.4(CHRNE):c.224G>A (p.Trp75Ter)

Genes: C17orf107 (chromosome 17 open reading frame 107; plus strand), CHRNE (cholinergic receptor nicotinic epsilon subunit; minus strand). Cytogenetic location: 17p13.2.
Variant type: single nucleotide variant.
Coding change: c.224G>A on transcript NM_000080.4 (MANE Select); coding-DNA position 224, G replaced by A.
Protein change: p.Trp75Ter; replaces tryptophan 75 with a stop codon.
Molecular consequence: nonsense. On other transcripts: 3 prime UTR variant (1).
Genome position (GRCh38, 1-based): chr17:4,902,460, C>T on the plus strand (G>A on the coding strand, the complement: CHRNE is on the minus strand). VCF-style: chr17-4902460-C-T. GRCh37 (hg19) VCF-style: chr17-4805755-C-T.
Other names: c.*1927C>T (NM_001145536.2); short protein forms W75*.
Identifiers: ClinVar variation 2680775 (VCV002680775.4), dbSNP rs2507562564, ClinGen allele CA397307478.

ClinVar aggregate classification (germline): Pathogenic/Likely pathogenic. Review status: criteria provided, multiple submitters, no conflicts (2 of 4 stars). 2 submissions from 2 submitters: Pathogenic (1); Likely pathogenic (1). Last evaluated 2023-09-03.

Conditions:
Congenital myasthenic syndrome 4A. Also called: CONGENITAL MYASTHENIC SYNDROME TYPE Ia1; MYASTHENIC SYNDROME, CONGENITAL, 4A, SLOW-CHANNEL, AUTOSOMAL RECESSIVE; Myasthenic syndrome, congenital, 4a, slow-channel. Identifiers: Orphanet 590, MedGen C4225413, MONDO:0011600, OMIM 605809.

Submissions (2):

Baylor Genetics
Classification: Likely pathogenic for Congenital myasthenic syndrome 4A. Last evaluated: 2023-09-03. Review status: criteria provided, single submitter. Criteria: ACMG Guidelines, 2015. Collection method: clinical testing. Allele origin: unknown.

Labcorp Genetics (formerly Invitae), Labcorp
Classification: Pathogenic for Congenital myasthenic syndrome 4A. Last evaluated: 2023-08-18. Review status: criteria provided, single submitter. Criteria: Invitae Variant Classification Sherloc (09022015). Collection method: clinical testing. Allele origin: germline.
Comment: For these reasons, this variant has been classified as Pathogenic. This variant has not been reported in the literature in individuals affected with CHRNE-related conditions. This variant is not present in population databases (gnomAD no frequency). This sequence change creates a premature translational stop signal (p.Trp75*) in the CHRNE gene. It is expected to result in an absent or disrupted protein product. Loss-of-function variants in CHRNE are known to be pathogenic (PMID: 22678886).

Literature cited by the submitters: PubMed 22678886 (cited by Labcorp Genetics (formerly Invitae), Labcorp).